The following is an entry in ClinVar:

ClinVar aggregate classification (germline): Uncertain significance. Review status: criteria provided, multiple submitters, no conflicts (2 of 4 stars). 2 submissions from 2 submitters: Uncertain significance (2). Last evaluated 2024-11-10.

Conditions:
Inborn genetic diseases. Identifiers: MedGen C0950123, MeSH D030342.
Trigonocephaly 2 (TRIGNO2). Identifiers: Orphanet 3366, MedGen C3280974, MONDO:0013774, OMIM 614485.

gnomAD v4.1: 2 of 1,612,856 alleles (0.00012%); highest among the groups gnomAD compares: Non-Finnish European, 0.00017%; no homozygotes.

Submissions (2):

Ambry Genetics
Classification: Uncertain significance for Inborn genetic diseases. Last evaluated: 2024-11-10. Review status: criteria provided, single submitter. Criteria: Ambry Variant Classification Scheme 2023. Collection method: clinical testing. Allele origin: germline.

Baylor Genetics
Classification: Uncertain significance for Trigonocephaly 2. Last evaluated: 2018-02-15. Review status: criteria provided, single submitter. Criteria: ACMG Guidelines, 2015. Collection method: clinical testing. Allele origin: paternal. Affected: yes.
Comment: This variant was determined to be of uncertain significance according to ACMG Guidelines, 2015 [PMID:25741868].

NM_001379081.2(FREM1):c.3355G>T (p.Asp1119Tyr)

Gene: FREM1 (FRAS1 related extracellular matrix 1; minus strand). Cytogenetic location: 9p22.3.
Variant type: single nucleotide variant.
Coding change: c.3355G>T on transcript NM_001379081.2 (MANE Select); coding-DNA position 3355, G replaced by T.
Protein change: p.Asp1119Tyr; replaces aspartic acid 1119 with tyrosine.
Molecular consequence: missense variant. On other transcripts: non-coding transcript variant (2).
Genome position (GRCh38, 1-based): chr9:14,805,072, C>A on the plus strand (G>T on the coding strand, the complement: FREM1 is on the minus strand). VCF-style: chr9-14805072-C-A. GRCh37 (hg19) VCF-style: chr9-14805070-C-A.
Other names: c.3355G>T, p.Asp1119Tyr (NM_144966.7); short protein forms D1119Y.
Identifiers: ClinVar variation 1033108 (VCV001033108.2), dbSNP rs753814072, ClinGen allele CA4990589.